The following is an entry in ClinVar:

NM_001378454.1(ALMS1):c.9128C>T (p.Ala3043Val)

Gene: ALMS1 (ALMS1 centrosome and basal body associated protein; plus strand). Cytogenetic location: 2p13.1.
Variant type: single nucleotide variant.
Coding change: c.9128C>T on transcript NM_001378454.1 (MANE Select); coding-DNA position 9128, C replaced by T.
Protein change: p.Ala3043Val; replaces alanine 3043 with valine.
Molecular consequence: missense variant.
Genome position (GRCh38, 1-based): chr2:73,491,087, C>T. VCF-style: chr2-73491087-C-T. GRCh37 (hg19) VCF-style: chr2-73718214-C-T.
Other names: c.9131C>T, p.Ala3044Val (NM_015120.4); short protein forms A3043V, A3044V.
Identifiers: ClinVar variation 4993807 (VCV004993807.1).

ClinVar aggregate classification (germline): Uncertain significance (1 of 4 stars; one submission).

Conditions:
ALMS1-related disorder. Also called: ALMS1-related condition.

gnomAD v4.1: 2 of 1,614,056 alleles (0.00012%); highest among the groups gnomAD compares: African/African-American, 0.0027%; no homozygotes.

Submission:

PreventionGenetics, part of Exact Sciences
Classification: Uncertain significance for ALMS1-related condition. Last evaluated: 2026-06-22. Review status: criteria provided, single submitter. Criteria: ACMG Guidelines, 2015. Collection method: clinical testing. Allele origin: germline.
Comment: The ALMS1 c.9131C>T variant is predicted to result in the amino acid substitution p.Ser3044Phe. To our knowledge, this variant has not been reported in the literature or in a large population database (gnomAD), indicating this variant is rare. At this time, the clinical significance of this variant is uncertain due to the absence of conclusive functional and genetic evidence.